The following is an entry in ClinVar:

NM_018418.5(SPATA7):c.1627G>A (p.Gly543Ser)

Gene: SPATA7 (spermatogenesis associated 7; plus strand). Cytogenetic location: 14q31.3.
Variant type: single nucleotide variant.
Coding change: c.1627G>A on transcript NM_018418.5 (MANE Select); coding-DNA position 1627, G replaced by A.
Protein change: p.Gly543Ser; replaces glycine 543 with serine.
Molecular consequence: missense variant.
Genome position (GRCh38, 1-based): chr14:88,438,249, G>A. VCF-style: chr14-88438249-G-A. GRCh37 (hg19) VCF-style: chr14-88904593-G-A.
Other names: c.1531G>A, p.Gly511Ser (NM_001040428.4); short protein forms G511S, G543S.
Identifiers: ClinVar variation 1981795 (VCV001981795.4), dbSNP rs755789014, ClinGen allele CA7298845.
Genomic context (GRCh38, chr14:88,438,249, plus strand): 5'-AATCATCCAAGTATTTCAGACAGTTTAACAGATCGGGAAACTTCTGTGAATGTCATTGAA[G>A]GTGATAGTGACCCTGAAAAGGTTGAGATTTCAAATGGATTATGTGGTCTTAACACATCAC-3'
Protein context (NP_060888.2, residues 533-553): DRETSVNVIE[Gly543Ser]DSDPEKVEIS

ClinVar aggregate classification (germline): Uncertain significance (1 of 4 stars; one submission).

Conditions:
Leber congenital amaurosis 3 (LCA3). Also called: SPATA7-Related Retinitis Pigmentosa. Identifiers: MedGen C1858677, MONDO:0011415, OMIM 604232.

Allele frequency attached by ClinVar (database versions not stated): gnomAD exomes below 0.00001; ExAC 0.00001; TOPMed 0.00002; gnomAD 0.00003.
gnomAD v4.1: 9 of 1,614,078 alleles (0.00056%); highest among the groups gnomAD compares: African/African-American, 0.012%; no homozygotes.

Submission:

Labcorp Genetics (formerly Invitae), Labcorp
Classification: Uncertain significance for Leber congenital amaurosis 3. Last evaluated: 2025-02-17. Review status: criteria provided, single submitter. Criteria: Invitae Variant Classification Sherloc (09022015). Collection method: clinical testing. Allele origin: germline.
Comment: This sequence change replaces glycine, which is neutral and non-polar, with serine, which is neutral and polar, at codon 543 of the SPATA7 protein (p.Gly543Ser). This variant is present in population databases (rs755789014, gnomAD 0.01%). This variant has not been reported in the literature in individuals affected with SPATA7-related conditions. ClinVar contains an entry for this variant (Variation ID: 1981795). Invitae Evidence Modeling of protein sequence and biophysical properties (such as structural, functional, and spatial information, amino acid conservation, physicochemical variation, residue mobility, and thermodynamic stability) has been performed for this missense variant. However, the output from this modeling did not meet the statistical confidence thresholds required to predict the impact of this variant on SPATA7 protein function. In summary, the available evidence is currently insufficient to determine the role of this variant in disease. Therefore, it has been classified as a Variant of Uncertain Significance.